The following is an entry in ClinVar:

ClinVar aggregate classification (germline): Uncertain significance (1 of 4 stars; one submission).

gnomAD v4.1: 8 of 1,609,990 alleles (0.0005%); highest among the groups gnomAD compares: Non-Finnish European, 0.00068%; no homozygotes.

Submission:

Labcorp Genetics (formerly Invitae), Labcorp
Classification: Uncertain significance. Last evaluated: 2025-07-18. Review status: criteria provided, single submitter. Criteria: Invitae Variant Classification Sherloc (09022015). Collection method: clinical testing. Allele origin: germline.
Comment: This sequence change falls in intron 8 of the SYT2 gene. It does not directly change the encoded amino acid sequence of the SYT2 protein. This variant is not present in population databases (gnomAD no frequency). This variant has not been reported in the literature in individuals affected with SYT2-related conditions. Algorithms developed to predict the effect of sequence changes on RNA splicing suggest that this variant may disrupt the consensus splice site. In summary, the available evidence is currently insufficient to determine the role of this variant in disease. Therefore, it has been classified as a Variant of Uncertain Significance.

NM_177402.5(SYT2):c.1054-14C>A

Gene: SYT2 (synaptotagmin 2; minus strand). Cytogenetic location: 1q32.1.
Variant type: single nucleotide variant.
Coding change: c.1054-14C>A on transcript NM_177402.5 (MANE Select); 14 bases into the intron before coding-DNA position 1054, C replaced by A.
Molecular consequence: intron variant.
Genome position (GRCh38, 1-based): chr1:202,596,977, G>T on the plus strand (C>A on the coding strand, the complement: SYT2 is on the minus strand). VCF-style: chr1-202596977-G-T. GRCh37 (hg19) VCF-style: chr1-202566105-G-T.
Other names: c.1054-14C>A (NM_001136504.1).
Identifiers: ClinVar variation 4701721 (VCV004701721.1).